The following is an entry in ClinVar:

ClinVar aggregate classification (germline): Likely benign. Review status: criteria provided, multiple submitters, no conflicts (2 of 4 stars). 2 submissions from 2 submitters: Likely benign (2). Last evaluated 2026-08-03.

Conditions:
GYS2-related disorder. Also called: GYS2-related condition.

Allele frequency attached by ClinVar (database versions not stated): gnomAD 0.00001; TOPMed 0.00001; ESP Exome Variant Server 0.00008; gnomAD exomes below 0.00001.
gnomAD v4.1: 4 of 1,607,118 alleles (0.00025%); highest among the groups gnomAD compares: Non-Finnish European, 0.00034%; no homozygotes.

Submissions (2):

PreventionGenetics, part of Exact Sciences
Classification: Likely benign for GYS2-related condition. Last evaluated: 2026-08-03. Review status: criteria provided, single submitter. Criteria: ACMG Guidelines, 2015. Collection method: clinical testing. Allele origin: germline.
Comment: This variant is classified as likely benign based on ACMG/AMP sequence variant interpretation guidelines (Richards et al. 2015 PMID: 25741868, with internal and published modifications).

GeneDx
Classification: Likely benign. Last evaluated: 2017-10-06. Review status: criteria provided, single submitter. Criteria: GeneDx Variant Classification (06012015). Collection method: clinical testing. Allele origin: germline. Affected: yes.
Comment: This variant is considered likely benign or benign based on one or more of the following criteria: it is a conservative change, it occurs at a poorly conserved position in the protein, it is predicted to be benign by multiple in silico algorithms, and/or has population frequency not consistent with disease.

NM_021957.4(GYS2):c.1404C>T (p.Asn468=)

Genes: GYS2 (glycogen synthase 2; minus strand), LOC126861480 (CDK7 strongly-dependent group 2 enhancer GRCh37_chr12:21710858-21712057; plus strand). Cytogenetic location: 12p12.1.
Variant type: single nucleotide variant.
Coding change: c.1404C>T on transcript NM_021957.4 (MANE Select); coding-DNA position 1404, C replaced by T.
Protein change: p.Asn468=; no amino-acid change (asparagine 468 retained).
Molecular consequence: synonymous variant.
Genome position (GRCh38, 1-based): chr12:21,558,218, G>A on the plus strand (C>T on the coding strand, the complement: GYS2 is on the minus strand). VCF-style: chr12-21558218-G-A. GRCh37 (hg19) VCF-style: chr12-21711152-G-A.
Identifiers: ClinVar variation 512143 (VCV000512143.2), dbSNP rs372862031, ClinGen allele CA233602418.
Genomic context (GRCh38, chr12:21,558,218, plus strand): 5'-TTAAGTAAGTTTAAAGTTCGCCACATGAACAATTTGTTCTACCTTGACTCTATCTGTGCG[G>A]TTGTTGAAAAGTCCAATCCGTCTAATGGTGCTGAGGATGGGGTCGGTGGAGTCATCAATC-3'
Protein context (NP_068776.2, residues 458-478): STIRRIGLFN[Asn468=]RTDRVKVILH